The following is an entry in ClinVar:

NM_000059.4(BRCA2):c.8432A>T (p.Asp2811Val)

Gene: BRCA2 (BRCA2 DNA repair associated; plus strand). Cytogenetic location: 13q13.1.
Variant type: single nucleotide variant.
Coding change: c.8432A>T on transcript NM_000059.4 (MANE Select); coding-DNA position 8432, A replaced by T.
Protein change: p.Asp2811Val; replaces aspartic acid 2811 with valine.
Molecular consequence: missense variant. On other transcripts: non-coding transcript variant (1).
Genome position (GRCh38, 1-based): chr13:32,370,502, A>T. VCF-style: chr13-32370502-A-T. GRCh37 (hg19) VCF-style: chr13-32944639-A-T.
Other names: c.8336A>T, p.Asp2779Val (NM_001406719.1); c.8432A>T, p.Asp2811Val (NM_001406720.1, NM_001432077.1); c.3500A>T, p.Asp1167Val (NM_001406721.1); c.2015A>T, p.Asp672Val (NM_001406722.1); short protein forms D1167V, D2779V, D672V, D2811V.
Identifiers: ClinVar variation 3636538 (VCV003636538.2).
Genomic context (GRCh38, chr13:32,370,502, plus strand): 5'-AACTTGGATTCTTTCCTGACCCTAGACCTTTTCCTCTGCCCTTATCATCGCTTTTCAGTG[A>T]TGGAGGAAATGTTGGTTGTGTTGATGTAATTATTCAAAGAGCATACCCTATACAGGTATG-3'
Protein context (NP_000050.3, residues 2801-2821): FPLPLSSLFS[Asp2811Val]GGNVGCVDVI

ClinVar aggregate classification (germline): Uncertain significance (1 of 4 stars; one submission).

Conditions:
Hereditary breast ovarian cancer syndrome. Also called: Hereditary breast and ovarian cancer syndrome; Hereditary breast and ovarian cancer syndrome (HBOC); BRCA1- and BRCA2-Associated Hereditary Breast and Ovarian Cancer; Hereditary breast and ovarian cancer; Breast and ovarian cancer; Hereditary breast and/or ovarian cancer syndrome. Identifiers: Orphanet 145, MedGen C0677776, MeSH D061325, MONDO:0003582. Disease mechanism: loss of function.

Submission:

Labcorp Genetics (formerly Invitae), Labcorp
Classification: Uncertain significance for Hereditary breast ovarian cancer syndrome. Last evaluated: 2024-03-15. Review status: criteria provided, single submitter. Criteria: Invitae Variant Classification Sherloc (09022015). Collection method: clinical testing. Allele origin: germline.
Comment: This sequence change replaces aspartic acid, which is acidic and polar, with valine, which is neutral and non-polar, at codon 2811 of the BRCA2 protein (p.Asp2811Val). This variant is not present in population databases (gnomAD no frequency). This variant has not been reported in the literature in individuals affected with BRCA2-related conditions. Advanced modeling of protein sequence and biophysical properties (such as structural, functional, and spatial information, amino acid conservation, physicochemical variation, residue mobility, and thermodynamic stability) performed at Invitae indicates that this missense variant is not expected to disrupt BRCA2 protein function with a negative predictive value of 95%. In summary, the available evidence is currently insufficient to determine the role of this variant in disease. Therefore, it has been classified as a Variant of Uncertain Significance.